The following is an entry in ClinVar:

ClinVar aggregate classification (germline): Pathogenic (1 of 4 stars; one submission).

Submission:

Labcorp Genetics (formerly Invitae), Labcorp
Classification: Pathogenic. Last evaluated: 2024-01-31. Review status: criteria provided, single submitter. Criteria: Invitae Variant Classification Sherloc (09022015). Collection method: clinical testing. Allele origin: germline.
Comment: This sequence change creates a premature translational stop signal (p.Leu1265Thrfs*2) in the PCLO gene. It is expected to result in an absent or disrupted protein product. Loss-of-function variants in PCLO are known to be pathogenic (PMID: 25832664, 30287594). This variant is not present in population databases (gnomAD no frequency). This variant has not been reported in the literature in individuals affected with PCLO-related conditions. For these reasons, this variant has been classified as Pathogenic.

Literature cited by the submitters: PubMed 25832664; PubMed 30287594.

NM_033026.6(PCLO):c.3792dup (p.Leu1265fs)

Gene: PCLO (piccolo presynaptic cytomatrix protein; minus strand). Cytogenetic location: 7q21.11.
Variant type: Duplication.
Coding change: c.3792dup on transcript NM_033026.6 (MANE Select); coding-DNA position 3792, one base duplicated (A; older notation c.3792dupA).
Protein change: p.Leu1265fs; shifts the reading frame from leucine 1265.
Molecular consequence: frameshift variant.
Genome position (GRCh38, 1-based): chr7:82,965,996, T duplicated on the plus strand (A on the coding strand, the reverse complement: PCLO is on the minus strand). VCF-style (leftmost placement, unchanged base first): chr7-82965995-G-GT. GRCh37 (hg19) VCF-style: chr7-82595311-G-GT.
Other names: c.3792dup, p.Leu1265fs (NM_014510.3); short protein forms L1265fs.
Identifiers: ClinVar variation 2730372 (VCV002730372.3), dbSNP rs2484202485, ClinGen allele CA2697557350.